The following is an entry in ClinVar:

NM_003334.4(UBA1):c.1114G>A (p.Ala372Thr)

Gene: UBA1 (ubiquitin like modifier activating enzyme 1; plus strand). Cytogenetic location: Xp11.3.
Variant type: single nucleotide variant.
Coding change: c.1114G>A on transcript NM_003334.4 (MANE Select); coding-DNA position 1114, G replaced by A.
Protein change: p.Ala372Thr; replaces alanine 372 with threonine.
Molecular consequence: missense variant.
Genome position (GRCh38, 1-based): chrX:47,202,695, G>A. VCF-style: chrX-47202695-G-A. GRCh37 (hg19) VCF-style: chrX-47062094-G-A.
Other names: c.1114G>A, p.Ala372Thr (NM_153280.3); short protein forms A372T.
Identifiers: ClinVar variation 1394912 (VCV001394912.8), dbSNP rs2147260791, ClinGen allele CA412796124.
Genomic context (GRCh38, chrX:47,202,695, plus strand): 5'-CAGGAGGATGCAGCAGAACTGGTAGCCTTAGCACAGGCTGTGAATGCTCGAGCCCTGCCA[G>A]CAGTGCAGCAAAATAACCTGGACGAGGACCTCATCCGGAAGCTGGCATATGTGGCTGCTG-3'
Protein context (NP_003325.2, residues 362-382): AQAVNARALP[Ala372Thr]VQQNNLDEDL

ClinVar aggregate classification (germline): Uncertain significance (1 of 4 stars; one submission).

Conditions:
Infantile-onset X-linked spinal muscular atrophy. Also called: SPINAL MUSCULAR ATROPHY, X-LINKED LETHAL INFANTILE; AMC, DISTAL, X-LINKED; ARTHROGRYPOSIS, X-LINKED, TYPE I; Spinal Muscular Atrophy, X-Linked Infantile; Spinal muscular atrophy, X-linked 2. Identifiers: Orphanet 1145, MedGen C1844934, MONDO:0010532, OMIM 301830.

Submission:

Labcorp Genetics (formerly Invitae), Labcorp
Classification: Uncertain significance for Infantile-onset X-linked spinal muscular atrophy. Last evaluated: 2023-12-11. Review status: criteria provided, single submitter. Criteria: Invitae Variant Classification Sherloc (09022015). Collection method: clinical testing. Allele origin: germline.
Comment: This sequence change replaces alanine, which is neutral and non-polar, with threonine, which is neutral and polar, at codon 372 of the UBA1 protein (p.Ala372Thr). This variant is not present in population databases (gnomAD no frequency). This variant has not been reported in the literature in individuals affected with UBA1-related conditions. ClinVar contains an entry for this variant (Variation ID: 1394912). Algorithms developed to predict the effect of missense changes on protein structure and function output the following: SIFT: "Not Available"; PolyPhen-2: "Benign"; Align-GVGD: "Not Available". The threonine amino acid residue is found in multiple mammalian species, which suggests that this missense change does not adversely affect protein function. In summary, the available evidence is currently insufficient to determine the role of this variant in disease. Therefore, it has been classified as a Variant of Uncertain Significance.